The following is an entry in ClinVar:

ClinVar aggregate classification (germline): Uncertain significance. Review status: criteria provided, multiple submitters, no conflicts (2 of 4 stars). 3 submissions from 3 submitters: Uncertain significance (3). Last evaluated 2025-05-25.

Conditions:
Cardiovascular phenotype. Identifiers: MedGen CN230736.
Cardiomyopathy (CMYO). Also called: Cardiomyopathies. Identifiers: Orphanet 167848, MedGen C0878544, MONDO:0004994, HP:0001638. Inheritance: Various modes of inheritance.
Arrhythmogenic right ventricular dysplasia 9 (ARVD9). Also called: Arrhythmogenic Right Ventricular Dysplasia/Cardiomyopathy 9; ARRHYTHMOGENIC RIGHT VENTRICULAR DYSPLASIA, FAMILIAL, 9. Identifiers: MedGen C1836906, MONDO:0012180, OMIM 609040.

gnomAD v4.1: 2 of 1,611,628 alleles (0.00012%); highest among the groups gnomAD compares: Non-Finnish European, 0.00017%; no homozygotes.

Submissions (3):

Color Diagnostics, LLC DBA Color Health
Classification: Uncertain significance for Cardiomyopathy. Last evaluated: 2025-05-25. Review status: criteria provided, single submitter. Criteria: ACMG Guidelines, 2015. Collection method: clinical testing. Allele origin: germline.
Comment: This missense variant replaces histidine with arginine at codon 588 of the PKP2 protein. Computational prediction suggests that this variant may not impact protein structure and function. To our knowledge, functional studies have not been reported for this variant. This variant has not been reported in individuals affected with PKP2-related disorders in the literature. This variant has not been identified in the general population by the Genome Aggregation Database (gnomAD). The available evidence is insufficient to determine the role of this variant in disease conclusively. Therefore, this variant is classified as a Variant of Uncertain Significance.

Ambry Genetics
Classification: Uncertain significance for Cardiovascular phenotype. Last evaluated: 2024-06-09. Review status: criteria provided, single submitter. Criteria: Ambry Variant Classification Scheme 2023. Collection method: clinical testing. Allele origin: germline.
Comment: The p.H588R variant (also known as c.1763A>G), located in coding exon 8 of the PKP2 gene, results from an A to G substitution at nucleotide position 1763. The histidine at codon 588 is replaced by arginine, an amino acid with highly similar properties. This amino acid position is conserved. In addition, the in silico prediction for this alteration is inconclusive. Based on the available evidence, the clinical significance of this variant remains unclear.

Labcorp Genetics (formerly Invitae), Labcorp
Classification: Uncertain significance for Arrhythmogenic right ventricular dysplasia 9. Last evaluated: 2019-12-13. Review status: criteria provided, single submitter. Criteria: Invitae Variant Classification Sherloc (09022015). Collection method: clinical testing. Allele origin: germline.
Comment: This sequence change replaces histidine with arginine at codon 588 of the PKP2 protein (p.His588Arg). The histidine residue is highly conserved and there is a small physicochemical difference between histidine and arginine. This variant is not present in population databases (ExAC no frequency). This variant has not been reported in the literature in individuals with PKP2-related conditions. Algorithms developed to predict the effect of missense changes on protein structure and function are either unavailable or do not agree on the potential impact of this missense change (SIFT: "Deleterious"; PolyPhen-2: "Probably Damaging"; Align-GVGD: "Class C0"). In summary, the available evidence is currently insufficient to determine the role of this variant in disease. Therefore, it has been classified as a Variant of Uncertain Significance.

NM_001005242.3(PKP2):c.1631A>G (p.His544Arg)

Gene: PKP2 (plakophilin 2; minus strand). Cytogenetic location: 12p11.21.
Variant type: single nucleotide variant.
Coding change: c.1631A>G on transcript NM_001005242.3 (MANE Select); coding-DNA position 1631, A replaced by G.
Protein change: p.His544Arg; replaces histidine 544 with arginine.
Molecular consequence: missense variant.
Genome position (GRCh38, 1-based): chr12:32,824,088, T>C on the plus strand (A>G on the coding strand, the complement: PKP2 is on the minus strand). VCF-style: chr12-32824088-T-C. GRCh37 (hg19) VCF-style: chr12-32977022-T-C.
Other names: c.1763A>G, p.His588Arg (NM_004572.4); short protein forms H544R, H588R.
Identifiers: ClinVar variation 835886 (VCV000835886.10), dbSNP rs1956409116, ClinGen allele CA384364710.